The following is an entry in ClinVar:

NM_018344.6(SLC29A3):c.629C>T (p.Thr210Met)

Gene: SLC29A3 (solute carrier family 29 member 3; plus strand). Cytogenetic location: 10q22.1.
Variant type: single nucleotide variant.
Coding change: c.629C>T on transcript NM_018344.6 (MANE Select); coding-DNA position 629, C replaced by T.
Protein change: p.Thr210Met; replaces threonine 210 with methionine.
Molecular consequence: missense variant. On other transcripts: non-coding transcript variant (2).
Genome position (GRCh38, 1-based): chr10:71,356,099, C>T. VCF-style: chr10-71356099-C-T. GRCh37 (hg19) VCF-style: chr10-73115856-C-T.
Other names: c.629C>T, p.Thr210Met (NM_001174098.2); c.395C>T, p.Thr132Met (NM_001363518.2); short protein forms T132M, T210M.
Identifiers: ClinVar variation 652332 (VCV000652332.9), dbSNP rs146654579, ClinGen allele CA5543002.

ClinVar aggregate classification (germline): Uncertain significance. Review status: criteria provided, multiple submitters, no conflicts (2 of 4 stars). 3 submissions from 3 submitters: Uncertain significance (2). 1 of the submissions does not count toward it. Last evaluated 2023-12-18.

Conditions:
SLC29A3-related disorder. Also called: SLC29A3-related condition.
Inborn genetic diseases. Identifiers: MedGen C0950123, MeSH D030342.
H syndrome. Also called: Asrar Facharzt Haque syndrome; FAISALABAD HISTIOCYTOSIS; Histiocytosis with joint contractures and sensorineural deafness; HISTIOCYTOSIS AND LYMPHADENOPATHY WITH OR WITHOUT CUTANEOUS, CARDIAC, AND/OR ENDOCRINE FEATURES, JOINT CONTRACTURES, AND/OR DEAFNESS; HYPERPIGMENTATION, CUTANEOUS, WITH HYPERTRICHOSIS, HEPATOSPLENOMEGALY, HEART ANOMALIES, AND HYPOGONADISM WITH OR WITHOUT HEARING LOSS; PIGMENTED HYPERTRICHOSIS WITH INSULIN-DEPENDENT DIABETES MELLITUS. Identifiers: Orphanet 168569, MedGen C1864445, MONDO:0011273, OMIM 602782.

Allele frequency attached by ClinVar (database versions not stated): gnomAD exomes 0.00005 and 0.00010; ExAC 0.00011; 1000 Genomes Project 30x 0.00031; ESP Exome Variant Server 0.00038; 1000 Genomes Project 0.00040; gnomAD 0.00041 and 0.00042; TOPMed 0.00047.
gnomAD v4.1: 137 of 1,614,116 alleles (0.0085%); highest among the groups gnomAD compares: African/African-American, 0.15%; no homozygotes.

Submissions (3):

Ambry Genetics
Classification: Uncertain significance for Inborn genetic diseases. Last evaluated: 2023-12-18. Review status: criteria provided, single submitter. Criteria: Ambry Variant Classification Scheme 2023. Collection method: clinical testing. Allele origin: germline.

Labcorp Genetics (formerly Invitae), Labcorp
Classification: Uncertain significance for H syndrome. Last evaluated: 2023-12-11. Review status: criteria provided, single submitter. Criteria: Invitae Variant Classification Sherloc (09022015). Collection method: clinical testing. Allele origin: germline.
Comment: This sequence change replaces threonine, which is neutral and polar, with methionine, which is neutral and non-polar, at codon 210 of the SLC29A3 protein (p.Thr210Met). This variant is present in population databases (rs146654579, gnomAD 0.2%). This variant has not been reported in the literature in individuals affected with SLC29A3-related conditions. ClinVar contains an entry for this variant (Variation ID: 652332). Advanced modeling of protein sequence and biophysical properties (such as structural, functional, and spatial information, amino acid conservation, physicochemical variation, residue mobility, and thermodynamic stability) performed at Invitae indicates that this missense variant is not expected to disrupt SLC29A3 protein function with a negative predictive value of 80%. In summary, the available evidence is currently insufficient to determine the role of this variant in disease. Therefore, it has been classified as a Variant of Uncertain Significance.

PreventionGenetics, part of Exact Sciences
Classification: Likely benign for SLC29A3-related condition. Last evaluated: 2024-08-26. Review status: no assertion criteria provided. Collection method: clinical testing. Allele origin: germline. Not counted in ClinVar's aggregate classification.
Comment: This variant is classified as likely benign based on ACMG/AMP sequence variant interpretation guidelines (Richards et al. 2015 PMID: 25741868, with internal and published modifications).